The following is an entry in ClinVar:

ClinVar aggregate classification (germline): Uncertain significance. Review status: criteria provided, multiple submitters, no conflicts (2 of 4 stars). 2 submissions from 2 submitters: Uncertain significance (2). Last evaluated 2024-03-19.

Conditions:
Hereditary cancer-predisposing syndrome. Also called: Neoplastic Syndromes, Hereditary; Hereditary Cancer Syndrome; Tumor predisposition; Hereditary neoplastic syndrome. Identifiers: Orphanet 140162, MedGen C0027672, MeSH D009386, MONDO:0015356.
Familial adenomatous polyposis 1 (FAP1). Also called: FAMILIAL ADENOMATOUS POLYPOSIS 1, ATTENUATED; POLYPOSIS, ADENOMATOUS INTESTINAL. Identifiers: MedGen C2713442, MONDO:0021056, OMIM 175100. Disease mechanism: loss of function.

Submissions (2):

Ambry Genetics
Classification: Uncertain significance for Hereditary cancer-predisposing syndrome. Last evaluated: 2024-03-19. Review status: criteria provided, single submitter. Criteria: Ambry Variant Classification Scheme 2023. Collection method: clinical testing. Allele origin: germline.
Comment: The p.E1998Q variant (also known as c.5992G>C), located in coding exon 15 of the APC gene, results from a G to C substitution at nucleotide position 5992. The glutamic acid at codon 1998 is replaced by glutamine, an amino acid with highly similar properties. This amino acid position is conserved. In addition, in silico predictors for this gene do not accurately predict pathogenicity. Based on the available evidence, the clinical significance of this alteration remains unclear.

Labcorp Genetics (formerly Invitae), Labcorp
Classification: Uncertain significance for Familial adenomatous polyposis 1. Last evaluated: 2020-03-07. Review status: criteria provided, single submitter. Criteria: Invitae Variant Classification Sherloc (09022015). Collection method: clinical testing. Allele origin: germline.
Comment: This sequence change replaces glutamic acid with glutamine at codon 1998 of the APC protein (p.Glu1998Gln). The glutamic acid residue is highly conserved and there is a small physicochemical difference between glutamic acid and glutamine. This variant is not present in population databases (ExAC no frequency). This variant has not been reported in the literature in individuals with APC-related conditions. Algorithms developed to predict the effect of missense changes on protein structure and function (SIFT, PolyPhen-2, Align-GVGD) all suggest that this variant is likely to be tolerated, but these predictions have not been confirmed by published functional studies and their clinical significance is uncertain. In summary, the available evidence is currently insufficient to determine the role of this variant in disease. Therefore, it has been classified as a Variant of Uncertain Significance.

NM_000038.6(APC):c.5992G>C (p.Glu1998Gln)

Gene: APC (APC regulator of Wnt signaling pathway; plus strand). Cytogenetic location: 5q22.2.
Variant type: single nucleotide variant.
Coding change: c.5992G>C on transcript NM_000038.6 (MANE Select); coding-DNA position 5992, G replaced by C.
Protein change: p.Glu1998Gln; replaces glutamic acid 1998 with glutamine.
Molecular consequence: missense variant.
Genome position (GRCh38, 1-based): chr5:112,841,586, G>C. VCF-style: chr5-112841586-G-C. GRCh37 (hg19) VCF-style: chr5-112177283-G-C.
Other names: c.5992G>C (NM_000038.5); c.5992G>C, p.Glu1998Gln (NM_001127510.3, NM_001354895.2); c.5938G>C, p.Glu1980Gln (NM_001127511.3); c.6046G>C, p.Glu2016Gln (NM_001354896.2); c.6022G>C, p.Glu2008Gln (NM_001354897.2); c.5917G>C, p.Glu1973Gln (NM_001354898.2); c.5908G>C, p.Glu1970Gln (NM_001354899.2); c.5869G>C, p.Glu1957Gln (NM_001354900.2); and 6 more; short protein forms E1907Q, E1973Q, E1939Q, E1970Q, E1980Q, E1998Q, E2016Q, E1838Q.
Identifiers: ClinVar variation 1039083 (VCV001039083.11), dbSNP rs1766108318, ClinGen allele CA16034446.